The following is an entry in ClinVar:

ClinVar aggregate classification (germline): Uncertain significance (1 of 4 stars; one submission).

Submission:

Labcorp Genetics (formerly Invitae), Labcorp
Classification: Uncertain significance. Last evaluated: 2023-11-27. Review status: criteria provided, single submitter. Criteria: Invitae Variant Classification Sherloc (09022015). Collection method: clinical testing. Allele origin: germline.
Comment: This sequence change replaces methionine, which is neutral and non-polar, with leucine, which is neutral and non-polar, at codon 566 of the TNFRSF11A protein (p.Met566Leu). This variant is present in population databases (no rsID available, gnomAD 0.001%). This variant has not been reported in the literature in individuals affected with TNFRSF11A-related conditions. An algorithm developed to predict the effect of missense changes on protein structure and function (PolyPhen-2) suggests that this variant is likely to be tolerated. In summary, the available evidence is currently insufficient to determine the role of this variant in disease. Therefore, it has been classified as a Variant of Uncertain Significance.

NM_003839.4(TNFRSF11A):c.1696A>C (p.Met566Leu)

Gene: TNFRSF11A (TNF receptor superfamily member 11a; plus strand). Cytogenetic location: 18q21.33.
Variant type: single nucleotide variant.
Coding change: c.1696A>C on transcript NM_003839.4 (MANE Select); coding-DNA position 1696, A replaced by C.
Protein change: p.Met566Leu; replaces methionine 566 with leucine.
Molecular consequence: missense variant. On other transcripts: 3 prime UTR variant (1).
Genome position (GRCh38, 1-based): chr18:62,384,879, A>C. VCF-style: chr18-62384879-A-C. GRCh37 (hg19) VCF-style: chr18-60052112-A-C.
Other names: c.*120A>C (NM_001270949.2); c.859A>C, p.Met287Leu (NM_001270950.2); c.745A>C, p.Met249Leu (NM_001270951.2); c.1654A>C, p.Met552Leu (NM_001278268.2); short protein forms M249L, M566L, M287L, M552L.
Identifiers: ClinVar variation 2062097 (VCV002062097.4), dbSNP rs781554550, ClinGen allele CA402620285.
Genomic context (GRCh38, chr18:62,384,879, plus strand): 5'-ATCATCGTGGTCTACGTCAGCCAGACCTCGCAGGAGGGCGCGGCGGCGGCTGCGGAGCCC[A>C]TGGGCCGCCCGGTGCAGGAGGAGACCCTGGCGCGCCGAGACTCCTTCGCGGGGAACGGCC-3'
Protein context (NP_003830.1, residues 556-576): QEGAAAAAEP[Met566Leu]GRPVQEETLA